The following is an entry in ClinVar:

ClinVar aggregate classification (germline): Uncertain significance. Review status: criteria provided, multiple submitters, no conflicts (2 of 4 stars). 2 submissions from 2 submitters: Uncertain significance (2). Last evaluated 2025-08-25.

Conditions:
Inborn genetic diseases. Identifiers: MedGen C0950123, MeSH D030342.

Submissions (2):

Ambry Genetics
Classification: Uncertain significance for Inborn genetic diseases. Last evaluated: 2025-08-25. Review status: criteria provided, single submitter. Criteria: Ambry Variant Classification Scheme 2023. Collection method: clinical testing. Allele origin: germline.

GeneDx
Classification: Uncertain significance. Last evaluated: 2025-05-12. Review status: criteria provided, single submitter. Criteria: GeneDx Variant Classification Process June 2021. Collection method: clinical testing. Allele origin: germline. Affected: yes.
Comment: Not observed at significant frequency in large population cohorts (gnomAD); In silico analysis supports that this missense variant has a deleterious effect on protein structure/function; Has not been previously published as pathogenic or benign to our knowledge

NM_003403.5(YY1):c.82G>A (p.Val28Met)

Gene: YY1 (YY1 transcription factor; plus strand). Cytogenetic location: 14q32.2.
Variant type: single nucleotide variant.
Coding change: c.82G>A on transcript NM_003403.5 (MANE Select); coding-DNA position 82, G replaced by A.
Protein change: p.Val28Met; replaces valine 28 with methionine.
Molecular consequence: missense variant.
Genome position (GRCh38, 1-based): chr14:100,239,326, G>A. VCF-style: chr14-100239326-G-A. GRCh37 (hg19) VCF-style: chr14-100705663-G-A.
Other names: short protein forms V28M.
Identifiers: ClinVar variation 4203377 (VCV004203377.2).